The following is an entry in ClinVar:

NM_022081.6(HPS4):c.1088_1101del (p.Leu363fs)

Gene: HPS4 (HPS4 biogenesis of lysosomal organelles complex 3 subunit 2; minus strand). Cytogenetic location: 22q12.1.
Variant type: Deletion.
Coding change: c.1088_1101del on transcript NM_022081.6 (MANE Select); coding-DNA positions 1088 to 1101, 14 bases deleted (TCCAAGAAGAACTC).
Protein change: p.Leu363fs; shifts the reading frame from leucine 363.
Molecular consequence: frameshift variant. On other transcripts: non-coding transcript variant (8).
Genome position (GRCh38, 1-based): chr22:26,464,529-26,464,542, GAGTTCTTCTTGGA deleted on the plus strand (TCCAAGAAGAACTC on the coding strand, the reverse complement: HPS4 is on the minus strand); deleting any 14 consecutive bases within chr22:26,464,529-26,464,544 gives the same sequence; the c. name uses the placement nearest the transcript's 3' end. VCF-style (leftmost placement, unchanged base first): chr22-26464528-CGAGTTCTTCTTGGA-C. GRCh37 (hg19) VCF-style: chr22-26860494-CGAGTTCTTCTTGGA-C.
Other names: c.1088_1101del14 (NM_022081.5); c.1088_1101del, p.Leu363fs (NM_001349896.1, NM_001349898.2, NM_001349899.2 and 4 more transcripts); c.1142_1155del, p.Leu381fs (NM_001349900.2, NM_001349901.1); c.1073_1086del, p.Leu358fs (NM_152841.2); short protein forms L363fs, L358fs, L381fs.
Identifiers: ClinVar variation 1455295 (VCV001455295.8), dbSNP rs773968140, ClinGen allele CA10163403.

ClinVar aggregate classification (germline): Pathogenic/Likely pathogenic. Review status: criteria provided, multiple submitters, no conflicts (2 of 4 stars). 3 submissions from 3 submitters: Pathogenic (1); Likely pathogenic (2). Last evaluated 2025-09-09.

Conditions:
Hermansky-Pudlak syndrome 4 (HPS4). Identifiers: Orphanet 231500, Orphanet 79430, MedGen C3484357, MONDO:0013556, OMIM 614073.
HPS4-related disorder. Also called: HPS4-related condition.

Submissions (3):

PreventionGenetics, part of Exact Sciences
Classification: Likely pathogenic for HPS4-related condition. Last evaluated: 2025-09-09. Review status: criteria provided, single submitter. Criteria: ACMG Guidelines, 2015. Collection method: clinical testing. Allele origin: germline.
Comment: The HPS4 c.1088_1101del14 variant is predicted to result in a frameshift and premature protein termination (p.Leu363Argfs*4). To our knowledge, this variant has not been reported in the literature. This variant is reported in 0.020% of alleles in individuals of Latino descent in gnomAD. Frameshift variants in HPS4 are expected to be pathogenic. This variant is interpreted as likely pathogenic.

Labcorp Genetics (formerly Invitae), Labcorp
Classification: Pathogenic. Last evaluated: 2023-07-28. Review status: criteria provided, single submitter. Criteria: Invitae Variant Classification Sherloc (09022015). Collection method: clinical testing. Allele origin: germline.
Comment: For these reasons, this variant has been classified as Pathogenic. Algorithms developed to predict the effect of sequence changes on RNA splicing suggest that this variant may create or strengthen a splice site. ClinVar contains an entry for this variant (Variation ID: 1455295). This variant has not been reported in the literature in individuals affected with HPS4-related conditions. This variant is present in population databases (rs773968140, gnomAD 0.02%). This sequence change creates a premature translational stop signal (p.Leu363Argfs*4) in the HPS4 gene. It is expected to result in an absent or disrupted protein product. Loss-of-function variants in HPS4 are known to be pathogenic (PMID: 12664304).

Baylor Genetics
Classification: Likely pathogenic for Hermansky-Pudlak syndrome 4. Last evaluated: 2023-05-28. Review status: criteria provided, single submitter. Criteria: ACMG Guidelines, 2015. Collection method: clinical testing. Allele origin: unknown.

Literature cited by the submitters: PubMed 12664304 (cited by Labcorp Genetics (formerly Invitae), Labcorp).